The following is an entry in ClinVar:

NM_023036.6(DNAI2):c.610+1G>T

Gene: DNAI2 (dynein axonemal intermediate chain 2; plus strand). Cytogenetic location: 17q25.1.
Variant type: single nucleotide variant.
Coding change: c.610+1G>T on transcript NM_023036.6 (MANE Select); the canonical splice donor site of the intron after coding-DNA position 610, G replaced by T.
Molecular consequence: splice donor variant.
Genome position (GRCh38, 1-based): chr17:74,289,737, G>T. VCF-style: chr17-74289737-G-T. GRCh37 (hg19) VCF-style: chr17-72285876-G-T.
Other names: c.610+1G>T (NM_023036.5, NM_001353167.2, NM_001172810.3).
Identifiers: ClinVar variation 2829314 (VCV002829314.6), dbSNP rs758109864, ClinGen allele CA400906501.

ClinVar aggregate classification (germline): Likely pathogenic. Review status: criteria provided, multiple submitters, no conflicts (2 of 4 stars). 3 submissions from 3 submitters: Likely pathogenic (3). Last evaluated 2024-12-09.

Conditions:
Primary ciliary dyskinesia 9. Also called: CILIARY DYSKINESIA, PRIMARY, 9, WITH OR WITHOUT SITUS INVERSUS. Identifiers: Orphanet 244, MedGen C2676235, MONDO:0012906, OMIM 612444.
Primary ciliary dyskinesia. Also called: Ciliary dyskinesia. Identifiers: Orphanet 244, MedGen C0008780, MONDO:0016575, HP:0012265.

Submissions (3):

Natera, Inc.
Classification: Likely pathogenic for Primary ciliary dyskinesia. Last evaluated: 2024-12-09. Review status: criteria provided, single submitter. Criteria: Natera Variant Classification Schema (03/2026). Collection method: clinical testing. Allele origin: germline.
Comment: The c.610+1G>T variant in DNAI2 is a canonical splice donor site variant predicted to affect pre-mRNA splicing, which may result in an abnormal transcript and altered protein product. This variant is expected to result in nonsense mediated decay, truncation, or a dysfunctional protein product. This variant is rare in the general population with a frequency below the threshold expected for the associated phenotype(s). Given the available evidence, this variant is classified as Likely Pathogenic.

Labcorp Genetics (formerly Invitae), Labcorp
Classification: Likely pathogenic for Primary ciliary dyskinesia. Last evaluated: 2023-01-23. Review status: criteria provided, single submitter. Criteria: Invitae Variant Classification Sherloc (09022015). Collection method: clinical testing. Allele origin: germline.
Comment: In summary, the currently available evidence indicates that the variant is pathogenic, but additional data are needed to prove that conclusively. Therefore, this variant has been classified as Likely Pathogenic. Algorithms developed to predict the effect of sequence changes on RNA splicing suggest that this variant may disrupt the consensus splice site. This variant has not been reported in the literature in individuals affected with DNAI2-related conditions. This variant is not present in population databases (gnomAD no frequency). This sequence change affects a donor splice site in intron 5 of the DNAI2 gene. It is expected to disrupt RNA splicing. Variants that disrupt the donor or acceptor splice site typically lead to a loss of protein function (PMID: 16199547), and loss-of-function variants in DNAI2 are known to be pathogenic (PMID: 18950741, 23891469).

Juno Genomics, Hangzhou Juno Genomics, Inc
Classification: Likely pathogenic for Primary ciliary dyskinesia 9. Review status: criteria provided, single submitter. Criteria: ACMG Guidelines, 2015. Collection method: clinical testing. Allele origin: germline.
Comment: Null variant in a gene where loss of function (LOF) is a known mechanism of disease.;Absent from controls (or at extremely low frequency if recessive) in Genome Aggregation Database.

Literature cited by the submitters: PubMed 16199547 (cited by Labcorp Genetics (formerly Invitae), Labcorp); PubMed 18950741 (cited by Labcorp Genetics (formerly Invitae), Labcorp); PubMed 23891469 (cited by Labcorp Genetics (formerly Invitae), Labcorp).